The following is an entry in ClinVar:

ClinVar aggregate classification (germline): Pathogenic/Likely pathogenic. Review status: criteria provided, multiple submitters, no conflicts (2 of 4 stars). 2 submissions from 2 submitters: Pathogenic (1); Likely pathogenic (1). Last evaluated 2024-11-14.

Conditions:
Congenital myasthenic syndrome (CMS). Also called: Congenital Myasthenic Syndromes. Identifiers: Orphanet 590, MedGen C0751882, MeSH D020294, MONDO:0018940.
Congenital myasthenic syndrome 5. Identifiers: Orphanet 590, MedGen C1864233, MONDO:0011281, OMIM 603034.

Submissions (2):

Women's Health and Genetics/Laboratory Corporation of America, LabCorp
Classification: Pathogenic for Congenital myasthenic syndrome. Last evaluated: 2024-11-14. Review status: criteria provided, single submitter. Criteria: LabCorp Variant Classification Summary - May 2015. Collection method: clinical testing. Allele origin: germline.
Comment: Variant summary: COLQ c.992_998delTGAACAC (p.Leu331ProfsX27) results in a premature termination codon, predicted to cause a truncation of the encoded protein or absence of the protein due to nonsense mediated decay, which are commonly known mechanisms for disease. The variant was absent in 251462 control chromosomes. To our knowledge, no occurrence of c.992_998delTGAACAC in individuals affected with Congenital Myasthenic Syndrome and no experimental evidence demonstrating its impact on protein function have been reported. ClinVar contains an entry for this variant (Variation ID: 2680857). Based on the evidence outlined above, the variant was classified as pathogenic.

Baylor Genetics
Classification: Likely pathogenic for Congenital myasthenic syndrome 5. Last evaluated: 2023-08-12. Review status: criteria provided, single submitter. Criteria: ACMG Guidelines, 2015. Collection method: clinical testing. Allele origin: unknown.

NM_005677.4(COLQ):c.992_998del (p.Leu331fs)

Gene: COLQ (collagen like tail subunit of asymmetric acetylcholinesterase; minus strand). Cytogenetic location: 3p25.1.
Variant type: Deletion.
Coding change: c.992_998del on transcript NM_005677.4 (MANE Select); coding-DNA positions 992 to 998, 7 bases deleted (TGAACAC; older notation c.992_998delTGAACAC).
Protein change: p.Leu331fs; shifts the reading frame from leucine 331.
Molecular consequence: frameshift variant.
Genome position (GRCh38, 1-based): chr3:15,456,536-15,456,542, GTGTTCA deleted on the plus strand (TGAACAC on the coding strand, the reverse complement: COLQ is on the minus strand); deleting any 7 consecutive bases within chr3:15,456,536-15,456,543 gives the same sequence; the c. name uses the placement nearest the transcript's 3' end. VCF-style (leftmost placement, unchanged base first): chr3-15456535-GGTGTTCA-G. GRCh37 (hg19) VCF-style: chr3-15498042-GGTGTTCA-G.
Other names: c.962_968del, p.Leu321fs (NM_080538.2); c.890_896del, p.Leu297fs (NM_080539.4); c.992_998delTGAACAC (NM_005677.4); short protein forms L297fs, L321fs, L331fs.
Identifiers: ClinVar variation 2680857 (VCV002680857.2), dbSNP rs1320483615, ClinGen allele CA901004664.
Genomic context (GRCh38, chr3:15,456,535, plus strand): 5'-GCCAAGGCTGTCCTTGAAGTACAGAGATCTCTGGTCTCTGCGGAAGGCAATGGCGTTTTG[GGTGTTCA>G]GCCTCTCAAGCTCCTCCTGGTTGTTGACCACAAAAATCTGCCAGAGAACACACTGGTGAG-3'